The following is an entry in ClinVar:

ClinVar aggregate classification (germline): Uncertain significance. Review status: criteria provided, multiple submitters, no conflicts (2 of 4 stars). 2 submissions from 2 submitters: Uncertain significance (2). Last evaluated 2025-05-05.

Conditions:
DiGeorge syndrome. Also called: Catch22; THIRD AND FOURTH PHARYNGEAL POUCH SYNDROME. Identifiers: Orphanet 567, MedGen C0012236, MONDO:0008564, OMIM 188400.

Submissions (2):

Women's Health and Genetics/Laboratory Corporation of America, LabCorp
Classification: Uncertain significance. Last evaluated: 2025-05-05. Review status: criteria provided, single submitter. Criteria: LabCorp Variant Classification Summary - May 2015. Collection method: clinical testing. Allele origin: germline.
Comment: Variant summary: TBX1 c.197C>T (p.Pro66Leu) results in a non-conservative amino acid change in the encoded protein sequence. Algorithms developed to predict the effect of missense changes on protein structure and function are either unavailable or do not agree on the potential impact of this missense change. The variant was absent in 23970 control chromosomes. The available data on variant occurrences in the general population are insufficient to allow any conclusion about variant significance. To our knowledge, no occurrence of c.197C>T in individuals affected with TBX1-Related Disorders and no experimental evidence demonstrating its impact on protein function have been reported. ClinVar contains an entry for this variant (Variation ID: 2873157). Based on the evidence outlined above, the variant was classified as uncertain significance.

Labcorp Genetics (formerly Invitae), Labcorp
Classification: Uncertain significance for DiGeorge syndrome. Last evaluated: 2023-03-01. Review status: criteria provided, single submitter. Criteria: Invitae Variant Classification Sherloc (09022015). Collection method: clinical testing. Allele origin: germline.
Comment: This sequence change replaces proline, which is neutral and non-polar, with leucine, which is neutral and non-polar, at codon 66 of the TBX1 protein (p.Pro66Leu). The frequency data for this variant in the population databases is considered unreliable, as metrics indicate insufficient coverage at this position in the gnomAD database. This variant has not been reported in the literature in individuals affected with TBX1-related conditions. Advanced modeling of protein sequence and biophysical properties (such as structural, functional, and spatial information, amino acid conservation, physicochemical variation, residue mobility, and thermodynamic stability) performed at Invitae indicates that this missense variant is not expected to disrupt TBX1 protein function. In summary, the available evidence is currently insufficient to determine the role of this variant in disease. Therefore, it has been classified as a Variant of Uncertain Significance.

NM_001379200.1(TBX1):c.224C>T (p.Pro75Leu)

Gene: TBX1 (T-box transcription factor 1; plus strand). Cytogenetic location: 22q11.21.
Variant type: single nucleotide variant.
Coding change: c.224C>T on transcript NM_001379200.1 (MANE Select); coding-DNA position 224, C replaced by T.
Protein change: p.Pro75Leu; replaces proline 75 with leucine.
Molecular consequence: missense variant.
Genome position (GRCh38, 1-based): chr22:19,761,067, C>T. VCF-style: chr22-19761067-C-T. GRCh37 (hg19) VCF-style: chr22-19748590-C-T.
Other names: c.197C>T, p.Pro66Leu (NM_005992.1, NM_080646.2, NM_080647.1); short protein forms P66L, P75L.
Identifiers: ClinVar variation 2873157 (VCV002873157.4), dbSNP rs2517842201, ClinGen allele CA410681407.